The following is an entry in ClinVar:

NM_053025.4(MYLK):c.344G>T (p.Arg115Leu)

Gene: MYLK (myosin light chain kinase; minus strand). Cytogenetic location: 3q21.1.
Variant type: single nucleotide variant.
Coding change: c.344G>T on transcript NM_053025.4 (MANE Select); coding-DNA position 344, G replaced by T.
Protein change: p.Arg115Leu; replaces arginine 115 with leucine.
Molecular consequence: missense variant. On other transcripts: intron variant (1).
Genome position (GRCh38, 1-based): chr3:123,752,360, C>A on the plus strand (G>T on the coding strand, the complement: MYLK is on the minus strand). VCF-style: chr3-123752360-C-A. GRCh37 (hg19) VCF-style: chr3-123471207-C-A.
Other names: c.344G>T, p.Arg115Leu (NM_053026.4, NM_053027.4, NM_053028.4); c.-155-12359G>T (NM_001321309.2); short protein forms R115L.
Identifiers: ClinVar variation 1731551 (VCV001731551.2), dbSNP rs141131535, ClinGen allele CA354243910.

ClinVar aggregate classification (germline): Uncertain significance (1 of 4 stars; one submission).

Conditions:
Familial thoracic aortic aneurysm and aortic dissection (TAAD). Also called: Thoracic aortic aneurysms and dissections. Identifiers: Orphanet 91387, MedGen C4707243, MONDO:0019625.

gnomAD v4.1: 3 of 1,614,006 alleles (0.00019%); highest among the groups gnomAD compares: Non-Finnish European, 0.00025%; no homozygotes.

Submission:

Ambry Genetics
Classification: Uncertain significance for Familial thoracic aortic aneurysm and aortic dissection. Last evaluated: 2022-04-03. Review status: criteria provided, single submitter. Criteria: Ambry Variant Classification Scheme 2023. Collection method: clinical testing. Allele origin: germline.
Comment: The p.R115L variant (also known as c.344G>T), located in coding exon 2 of the MYLK gene, results from a G to T substitution at nucleotide position 344. The arginine at codon 115 is replaced by leucine, an amino acid with dissimilar properties. This amino acid position is conserved. In addition, the in silico prediction for this alteration is inconclusive. Since supporting evidence is limited at this time, the clinical significance of this alteration remains unclear.